The following is an entry in ClinVar:

ClinVar aggregate classification (germline): Uncertain significance (0 of 4 stars; one submission).

Conditions:
CKAP2L-related disorder. Also called: CKAP2L-related condition.

gnomAD v4.1: 21 of 1,613,788 alleles (0.0013%); highest among the groups gnomAD compares: Middle Eastern, 0.016%; no homozygotes.

Submission:

PreventionGenetics, part of Exact Sciences
Classification: Uncertain significance for CKAP2L-related condition. Last evaluated: 2024-04-15. Review status: no assertion criteria provided. Collection method: clinical testing. Allele origin: germline.
Comment: The CKAP2L c.956G>A variant is predicted to result in the amino acid substitution p.Arg319Gln. To our knowledge, this variant has not been reported in the literature. This variant is reported in 0.010% of alleles in individuals of East Asian descent in gnomAD. At this time, the clinical significance of this variant is uncertain due to the absence of conclusive functional and genetic evidence.

NM_152515.5(CKAP2L):c.956G>A (p.Arg319Gln)

Gene: CKAP2L (cytoskeleton associated protein 2 like; minus strand). Cytogenetic location: 2q14.1.
Variant type: single nucleotide variant.
Coding change: c.956G>A on transcript NM_152515.5 (MANE Select); coding-DNA position 956, G replaced by A.
Protein change: p.Arg319Gln; replaces arginine 319 with glutamine.
Molecular consequence: missense variant.
Genome position (GRCh38, 1-based): chr2:112,756,415, C>T on the plus strand (G>A on the coding strand, the complement: CKAP2L is on the minus strand). VCF-style: chr2-112756415-C-T. GRCh37 (hg19) VCF-style: chr2-113513992-C-T.
Other names: c.461G>A, p.Arg154Gln (NM_001304361.2); short protein forms R154Q, R319Q.
Identifiers: ClinVar variation 3353446 (VCV003353446.1).
Genomic context (GRCh38, chr2:112,756,415, plus strand): 5'-AAACTGGGGTATGTTCTGGGTTTGGTGTGCTTCACTCTCTGTTCAGTAACAGGGTATGAC[C>T]GTATCTTAGTTTCATTTGGTCTTTCATATTGACTCCTATTAACCTTTATATCTTTGATGT-3'
Protein context (NP_689728.3, residues 309-329): QYERPNETKI[Arg319Gln]SYPVTEQRVK